The following is an entry in ClinVar:

NM_015215.4(CAMTA1):c.4063C>T (p.Pro1355Ser)

Genes: CAMTA1 (calmodulin binding transcription activator 1; plus strand), LOC126805603 (CDK7 strongly-dependent group 2 enhancer GRCh37_chr1:7798026-7799225; plus strand). Cytogenetic location: 1p36.23.
Variant type: single nucleotide variant.
Coding change: c.4063C>T on transcript NM_015215.4 (MANE Select); coding-DNA position 4063, C replaced by T.
Protein change: p.Pro1355Ser; replaces proline 1355 with serine.
Molecular consequence: missense variant.
Genome position (GRCh38, 1-based): chr1:7,738,363, C>T. VCF-style: chr1-7738363-C-T. GRCh37 (hg19) VCF-style: chr1-7798423-C-T.
Other names: c.3973C>T, p.Pro1325Ser (NM_001349608.2); c.3724C>T, p.Pro1242Ser (NM_001349609.2, NM_001349610.2); c.3634C>T, p.Pro1212Ser (NM_001349612.2); c.1192C>T, p.Pro398Ser (NM_001349613.1); c.1135C>T, p.Pro379Ser (NM_001349614.1, NM_001349615.2, NM_001349616.2 and 2 more transcripts); c.796C>T, p.Pro266Ser (NM_001349619.2, NM_001349620.1, NM_001349621.1 and 5 more transcripts); short protein forms P1212S, P1242S, P1325S, P1355S, P266S, P379S, P398S.
Identifiers: ClinVar variation 1694487 (VCV001694487.36), dbSNP rs186530445, ClinGen allele CA567057.

ClinVar aggregate classification (germline): Benign/Likely benign. Review status: criteria provided, multiple submitters, no conflicts (2 of 4 stars). 2 submissions from 2 submitters: Benign (1); Likely benign (1). Last evaluated 2023-05-08.

Allele frequency attached by ClinVar (database versions not stated): gnomAD 0.00003 and 0.00006; TOPMed 0.00004; gnomAD exomes 0.00011 and 0.00016; ExAC 0.00017; 1000 Genomes Project 30x 0.00031; 1000 Genomes Project 0.00040.
gnomAD v4.1: 243 of 1,614,182 alleles (0.015%); highest among the groups gnomAD compares: East Asian, 0.53%; 2 homozygotes.

Submissions (2):

Labcorp Genetics (formerly Invitae), Labcorp
Classification: Likely benign. Last evaluated: 2023-05-08. Review status: criteria provided, single submitter. Criteria: Invitae Variant Classification Sherloc (09022015). Collection method: clinical testing. Allele origin: germline.

CeGaT Center for Human Genetics Tuebingen
Classification: Benign. Last evaluated: 2022-05-01. Review status: criteria provided, single submitter. Criteria: CeGaT Center For Human Genetics Tuebingen Variant Classification Criteria Version 2. Collection method: clinical testing. Allele origin: germline. Affected: yes. Observed: 1 variant allele.
Comment: CAMTA1: BS1, BS2